The following is an entry in ClinVar:

NM_001083962.2(TCF4):c.1426C>T (p.Gln476Ter)

Gene: TCF4 (transcription factor 4; minus strand). Cytogenetic location: 18q21.2.
Variant type: single nucleotide variant.
Coding change: c.1426C>T on transcript NM_001083962.2 (MANE Select); coding-DNA position 1426, C replaced by T.
Protein change: p.Gln476Ter; replaces glutamine 476 with a stop codon.
Molecular consequence: nonsense.
Genome position (GRCh38, 1-based): chr18:55,234,608, G>A on the plus strand (C>T on the coding strand, the complement: TCF4 is on the minus strand). VCF-style: chr18-55234608-G-A. GRCh37 (hg19) VCF-style: chr18-52901839-G-A.
Other names: c.1351C>T, p.Gln451Ter (NM_001369580.1, NM_001369581.1, NM_001369584.1 and 6 more transcripts); c.1354C>T, p.Gln452Ter (NM_001369582.1, NM_001369583.1, NM_001243227.2 and 5 more transcripts); c.1357C>T, p.Gln453Ter (NM_001369586.1); c.1426C>T, p.Gln476Ter (NM_003199.3, NM_001369567.1, NM_001369568.1 and 2 more transcripts); c.1732C>T, p.Gln578Ter (NM_001243226.3); c.1444C>T, p.Gln482Ter (NM_001243228.2); c.1417C>T, p.Gln473Ter (NM_001243230.2); c.1300C>T, p.Gln434Ter (NM_001243231.2, NM_001348211.2); and 6 more; short protein forms Q260*, Q315*, Q316*, Q346*, Q405*, Q434*, Q451*, Q452*.
Identifiers: ClinVar variation 3899656 (VCV003899656.1).
Genomic context (GRCh38, chr18:55,234,608, plus strand): 5'-CTCTGTAAGGGTCCTGGGGTGGGTTCAGGTCAGGGGAAGTCGCAGACTGGACAGGAAGCT[G>A]TGGAACCGGAACCTGGTTTGGCAGAAGAGAATGGCTGCCTCTCAGGGCCACGCCATCTTC-3'

ClinVar aggregate classification (germline): Pathogenic (1 of 4 stars; one submission).

Submission:

GeneDx
Classification: Pathogenic. Last evaluated: 2024-11-14. Review status: criteria provided, single submitter. Criteria: GeneDx Variant Classification Process June 2021. Collection method: clinical testing. Allele origin: germline. Affected: yes.
Comment: Nonsense variant predicted to result in protein truncation or nonsense mediated decay in a gene for which loss of function is a known mechanism of disease; Not observed at significant frequency in large population cohorts (gnomAD); Has not been previously published as pathogenic or benign to our knowledge